The following is an entry in ClinVar:

NM_000059.4(BRCA2):c.4039G>C (p.Val1347Leu)

Gene: BRCA2 (BRCA2 DNA repair associated; plus strand). Cytogenetic location: 13q13.1.
Variant type: single nucleotide variant.
Coding change: c.4039G>C on transcript NM_000059.4 (MANE Select); coding-DNA position 4039, G replaced by C.
Protein change: p.Val1347Leu; replaces valine 1347 with leucine.
Molecular consequence: missense variant.
Genome position (GRCh38, 1-based): chr13:32,338,394, G>C. VCF-style: chr13-32338394-G-C. GRCh37 (hg19) VCF-style: chr13-32912531-G-C.
Other names: short protein forms V1347L.
Identifiers: ClinVar variation 51585 (VCV000051585.23), dbSNP rs80358653, ClinGen allele CA019421.
Genomic context (GRCh38, chr13:32,338,394, plus strand): 5'-GCCAGTAGAAATTCTCATAACTTAGAATTTGATGGCAGTGATTCAAGTAAAAATGATACT[G>C]TTTGTATTCATAAAGATGAAACGGACTTGCTATTTACTGATCAGCACAACATATGTCTTA-3'
Protein context (NP_000050.3, residues 1337-1357): DGSDSSKNDT[Val1347Leu]CIHKDETDLL

ClinVar aggregate classification (germline): Conflicting classifications of pathogenicity. Review status: criteria provided, conflicting classifications (1 of 4 stars). 8 submissions from 8 submitters: Uncertain significance (5); Likely benign (1). 2 of the submissions do not count toward it. Last evaluated 2026-05-04.

Conditions:
Hereditary cancer-predisposing syndrome. Also called: Neoplastic Syndromes, Hereditary; Hereditary neoplastic syndrome; Hereditary Cancer Syndrome; Tumor predisposition. Identifiers: Orphanet 140162, MedGen C0027672, MeSH D009386, MONDO:0015356.
Hereditary breast ovarian cancer syndrome. Also called: Hereditary breast and/or ovarian cancer syndrome; Hereditary breast and ovarian cancer syndrome (HBOC); Breast and ovarian cancer; Hereditary breast and ovarian cancer syndrome; Hereditary breast and ovarian cancer; BRCA1- and BRCA2-Associated Hereditary Breast and Ovarian Cancer. Identifiers: Orphanet 145, MedGen C0677776, MeSH D061325, MONDO:0003582. Disease mechanism: loss of function.
Breast-ovarian cancer, familial, susceptibility to, 2 (BROVCA2). Also called: BRCA2 Hereditary Breast and Ovarian Cancer. Identifiers: Orphanet 145, MedGen C2675520, MONDO:0012933, OMIM 612555. Disease mechanism: loss of function.

Allele frequency attached by ClinVar (database versions not stated): gnomAD 0.00002; gnomAD exomes below 0.00001; TOPMed 0.00001.
gnomAD v4.1: 5 of 1,599,990 alleles (0.00031%); highest among the groups gnomAD compares: African/African-American, 0.0067%; no homozygotes.

Submissions (8):

Women's Health and Genetics/Laboratory Corporation of America, LabCorp
Classification: Uncertain significance. Last evaluated: 2026-05-04. Review status: criteria provided, single submitter. Criteria: LabCorp Variant Classification Summary - May 2015. Collection method: clinical testing. Allele origin: germline.

Labcorp Genetics (formerly Invitae), Labcorp
Classification: Uncertain significance for Hereditary breast ovarian cancer syndrome. Last evaluated: 2025-10-13. Review status: criteria provided, single submitter. Criteria: Invitae Variant Classification Sherloc (09022015). Collection method: clinical testing. Allele origin: germline.
Comment: This sequence change replaces valine, which is neutral and non-polar, with leucine, which is neutral and non-polar, at codon 1347 of the BRCA2 protein (p.Val1347Leu). This variant is present in population databases (rs80358653, gnomAD 0.008%). This missense change has been observed in individual(s) with clinical features of BRCA2-related conditions (PMID: 10923033). ClinVar contains an entry for this variant (Variation ID: 51585). Invitae Evidence Modeling of protein sequence and biophysical properties (such as structural, functional, and spatial information, amino acid conservation, physicochemical variation, residue mobility, and thermodynamic stability) indicates that this missense variant is not expected to disrupt BRCA2 protein function with a negative predictive value of 95%. In summary, the available evidence is currently insufficient to determine the role of this variant in disease. Therefore, it has been classified as a Variant of Uncertain Significance.

All of Us Research Program, National Institutes of Health
Classification: Uncertain significance for Breast-ovarian cancer, familial, susceptibility to, 2. Last evaluated: 2023-09-04. Review status: criteria provided, single submitter. Criteria: ACMG Guidelines, 2015. Collection method: clinical testing. Allele origin: germline. Inheritance: Autosomal dominant inheritance. Observed: 1 variant allele, 1 heterozygote.
Comment: This missense variant replaces valine with leucine at codon 1347 of the BRCA2 protein. Computational prediction suggests that this variant may not impact protein structure and function (internally defined REVEL score threshold <= 0.5, PMID: 27666373). To our knowledge, functional studies have not been reported for this variant. This variant has not been reported in individuals affected with BRCA2-related disorders in the literature. This variant has been identified in 2/271300 chromosomes in the general population by the Genome Aggregation Database (gnomAD). The available evidence is insufficient to determine the role of this variant in disease conclusively. Therefore, this variant is classified as a Variant of Uncertain Significance.

This study involves interpretation of variants in research participants for the purpose of population health screening. Participant phenotype was not available at the time of variant classification. Additional details can be found in publication PMID: 35346344, PMCID: PMC8962531

GeneDx
Classification: Uncertain significance. Last evaluated: 2023-08-04. Review status: criteria provided, single submitter. Criteria: GeneDx Variant Classification Process June 2021. Collection method: clinical testing. Allele origin: germline. Affected: yes.
Comment: Not observed at significant frequency in large population cohorts (gnomAD); In silico analysis supports that this missense variant does not alter protein structure/function; Has not been previously published as pathogenic or benign to our knowledge; Also known as 4267G>C; This variant is associated with the following publications: (PMID: 29884841, 32377563)

Ambry Genetics
Classification: Uncertain significance for Hereditary cancer-predisposing syndrome. Last evaluated: 2023-07-19. Review status: criteria provided, single submitter. Criteria: Ambry Variant Classification Scheme 2023. Collection method: clinical testing. Allele origin: germline.
Comment: The p.V1347L variant (also known as c.4039G>C), located in coding exon 10 of the BRCA2 gene, results from a G to C substitution at nucleotide position 4039. The valine at codon 1347 is replaced by leucine, an amino acid with highly similar properties. This amino acid position is not well conserved in available vertebrate species. In addition, this alteration is predicted to be tolerated by in silico analysis. Since supporting evidence is limited at this time, the clinical significance of this alteration remains unclear.

University of Washington Department of Laboratory Medicine, University of Washington
Classification: Likely benign for Hereditary cancer-predisposing syndrome. Last evaluated: 2023-03-23. Review status: criteria provided, single submitter. Criteria: Dines et al. (Genet Med. 2020). Collection method: curation. Allele origin: germline.
Comment: Missense variant in a coldspot region where missense variants are very unlikely to be pathogenic (PMID:31911673).

BRCA2 exon 11 coldspot. Reclassification based on statistical prior probability.

Counsyl
Classification: Uncertain significance for Breast-ovarian cancer, familial, susceptibility to, 2. Last evaluated: 2017-11-01. Review status: no assertion criteria provided. Collection method: clinical testing. Allele origin: unknown. Not counted in ClinVar's aggregate classification.

Breast Cancer Information Core (BIC) (BRCA2)
Classification: Uncertain significance for Breast-ovarian cancer, familial 2. Last evaluated: 2004-02-20. Review status: no assertion criteria provided. Collection method: clinical testing. Allele origin: germline. Affected: yes. Observed: 1 variant allele. Not counted in ClinVar's aggregate classification.

Literature cited by the submitters: PubMed 10923033 (cited by Labcorp Genetics (formerly Invitae), Labcorp).